The following is an entry in ClinVar:

ClinVar aggregate classification (germline): Conflicting classifications of pathogenicity. Review status: criteria provided, conflicting classifications (1 of 4 stars). 2 submissions from 2 submitters: Likely pathogenic (1); Uncertain significance (1). Last evaluated 2024-09-29.

Conditions:
Idiopathic generalized epilepsy. Also called: Generalised epilepsy; EIG. Identifiers: MedGen C0270850, MONDO:0005579, OMIM 600669.
Epilepsy, idiopathic generalized, susceptibility to, 13. Also called: EPILEPSY, JUVENILE MYOCLONIC, SUSCEPTIBILITY TO, 5. Identifiers: Orphanet 307, Orphanet 64280, MedGen C4013473, MONDO:0012627, OMIM 611136.
Epilepsy, childhood absence 4 (ECA4). Also called: EPILEPSY, CHILDHOOD ABSENCE, SUSCEPTIBILITY TO, 4. Identifiers: Orphanet 307, MedGen C1970160.

Submissions (2):

Labcorp Genetics (formerly Invitae), Labcorp
Classification: Uncertain significance for Epilepsy, childhood absence 4; Epilepsy, idiopathic generalized, susceptibility to, 13; Idiopathic generalized epilepsy. Last evaluated: 2024-09-29. Review status: criteria provided, single submitter. Criteria: Invitae Variant Classification Sherloc (09022015). Collection method: clinical testing. Allele origin: germline.
Comment: This sequence change replaces arginine, which is basic and polar, with serine, which is neutral and polar, at codon 214 of the GABRA1 protein (p.Arg214Ser). This variant is not present in population databases (gnomAD no frequency). This missense change has been observed in individual(s) with epilepsy (PMID: 29056246). ClinVar contains an entry for this variant (Variation ID: 167116). Invitae Evidence Modeling of protein sequence and biophysical properties (such as structural, functional, and spatial information, amino acid conservation, physicochemical variation, residue mobility, and thermodynamic stability) has been performed for this missense variant. However, the output from this modeling did not meet the statistical confidence thresholds required to predict the impact of this variant on GABRA1 protein function. This variant disrupts the p.Arg214 amino acid residue in GABRA1. Other variant(s) that disrupt this residue have been determined to be pathogenic (PMID: 27353043, 27521439, 29655203; internal data). This suggests that this residue is clinically significant, and that variants that disrupt this residue are likely to be disease-causing. In summary, the available evidence is currently insufficient to determine the role of this variant in disease. Therefore, it has been classified as a Variant of Uncertain Significance.

Eurofins Ntd Llc (ga)
Classification: Likely pathogenic. Last evaluated: 2014-08-29. Review status: criteria provided, single submitter. Criteria: EGL Classification Definitions. Collection method: clinical testing. Allele origin: germline. Observed: 1 variant allele, 1 heterozygote.

Literature cited by the submitters: PubMed 29056246 (cited by Labcorp Genetics (formerly Invitae), Labcorp); PubMed 27353043 (cited by Labcorp Genetics (formerly Invitae), Labcorp); PubMed 27521439 (cited by Labcorp Genetics (formerly Invitae), Labcorp); PubMed 29655203 (cited by Labcorp Genetics (formerly Invitae), Labcorp).

NM_001127644.2(GABRA1):c.640C>A (p.Arg214Ser)

Gene: GABRA1 (gamma-aminobutyric acid type A receptor subunit alpha1; plus strand). Cytogenetic location: 5q34.
Variant type: single nucleotide variant.
Coding change: c.640C>A on transcript NM_001127644.2 (MANE Select); coding-DNA position 640, C replaced by A.
Protein change: p.Arg214Ser; replaces arginine 214 with serine.
Molecular consequence: missense variant.
Genome position (GRCh38, 1-based): chr5:161,882,638, C>A. VCF-style: chr5-161882638-C-A. GRCh37 (hg19) VCF-style: chr5-161309644-C-A.
Other names: c.640C>A, p.Arg214Ser (NM_000806.5, NM_001127643.2, NM_001127645.2 and 1 more transcripts); short protein forms R214S.
Identifiers: ClinVar variation 167116 (VCV000167116.9), dbSNP rs727503940, ClinGen allele CA203588.
Genomic context (GRCh38, chr5:161,882,638, plus strand): 5'-GTTGTTTATGAATGGACCAGAGAGCCAGCACGCTCAGTGGTTGTAGCAGAAGATGGATCA[C>A]GTCTAAACCAGTATGACCTTCTTGGACAAACAGTAGACTCTGGAATTGTCCAGTCAAGTA-3'
Protein context (NP_001121116.1, residues 204-224): RSVVVAEDGS[Arg214Ser]LNQYDLLGQT